The following is an entry in ClinVar:

ClinVar aggregate classification (germline): Uncertain significance (1 of 4 stars; one submission).

Conditions:
Methylmalonic acidemia with homocystinuria, type cblJ (MAHCJ). Also called: METHYLMALONIC ACIDURIA AND HOMOCYSTINURIA, cblJ TYPE. Identifiers: Orphanet 369955, MedGen C3553915, MONDO:0013925, OMIM 614857.

Allele frequency attached by ClinVar (database versions not stated): gnomAD exomes below 0.00001; ExAC 0.00001.
gnomAD v4.1: 1 of 1,613,480 alleles (0.000062%); highest among the groups gnomAD compares: Admixed American, 0.0017%; no homozygotes.

Submission:

Labcorp Genetics (formerly Invitae), Labcorp
Classification: Uncertain significance for Methylmalonic acidemia with homocystinuria, type cblJ. Last evaluated: 2022-07-23. Review status: criteria provided, single submitter. Criteria: Invitae Variant Classification Sherloc (09022015). Collection method: clinical testing. Allele origin: germline.
Comment: Advanced modeling of protein sequence and biophysical properties (such as structural, functional, and spatial information, amino acid conservation, physicochemical variation, residue mobility, and thermodynamic stability) performed at Invitae indicates that this missense variant is expected to disrupt ABCD4 protein function. This sequence change replaces phenylalanine, which is neutral and non-polar, with leucine, which is neutral and non-polar, at codon 222 of the ABCD4 protein (p.Phe222Leu). This variant is present in population databases (rs769047468, gnomAD 0.003%). This variant has not been reported in the literature in individuals affected with ABCD4-related conditions. In summary, the available evidence is currently insufficient to determine the role of this variant in disease. Therefore, it has been classified as a Variant of Uncertain Significance.

NM_005050.4(ABCD4):c.664T>C (p.Phe222Leu)

Gene: ABCD4 (ATP binding cassette subfamily D member 4; minus strand). Cytogenetic location: 14q24.3.
Variant type: single nucleotide variant.
Coding change: c.664T>C on transcript NM_005050.4 (MANE Select); coding-DNA position 664, T replaced by C.
Protein change: p.Phe222Leu; replaces phenylalanine 222 with leucine.
Molecular consequence: missense variant. On other transcripts: 5 prime UTR variant (9), non-coding transcript variant (10), intron variant (2).
Genome position (GRCh38, 1-based): chr14:74,295,858, A>G on the plus strand (T>C on the coding strand, the complement: ABCD4 is on the minus strand). VCF-style: chr14-74295858-A-G. GRCh37 (hg19) VCF-style: chr14-74762561-A-G.
Other names: c.403T>C, p.Phe135Leu (NM_001353593.2, NM_001353594.2); c.250T>C, p.Phe84Leu (NM_001353595.2, NM_001353596.2, NM_001353597.2); c.187T>C, p.Phe63Leu (NM_001353598.2, NM_001353599.2, NM_001353600.2 and 2 more transcripts); c.-31T>C (NM_001353602.2, NM_001353603.2, NM_001353604.2 and 6 more transcripts); c.535T>C, p.Phe179Leu (NM_020323.1); c.664T>C, p.Phe222Leu (NM_020325.3); c.542+475T>C (NM_001353591.2, NM_001353592.2); short protein forms F135L, F179L, F222L, F63L, F84L.
Identifiers: ClinVar variation 2414926 (VCV002414926.6), dbSNP rs769047468, ClinGen allele CA7267136.